The following is an entry in ClinVar:

ClinVar aggregate classification (germline): Conflicting classifications of pathogenicity. Review status: criteria provided, conflicting classifications (1 of 4 stars). 2 submissions from 2 submitters: Likely pathogenic (1); Uncertain significance (1). Last evaluated 2026-02-04.

Conditions:
Metachromatic leukodystrophy (MLD). Also called: ARSA DEFICIENCY; CEREBROSIDE SULFATASE DEFICIENCY; METACHROMATIC LEUKOENCEPHALOPATHY; SULFATIDE LIPIDOSIS; Cerebral sclerosis diffuse metachromatic form; Arylsulfatase A Deficiency. Identifiers: Orphanet 512, MedGen C0023522, MONDO:0018868, OMIM 250100.

Submissions (2):

Clinical Genomics, G42 Labs
Classification: Likely pathogenic for Metachromatic leukodystrophy. Last evaluated: 2026-02-04. Review status: criteria provided, single submitter. Criteria: ACMG Guidelines, 2015. Collection method: clinical testing. Allele origin: germline. Inheritance: Autosomal recessive inheritance. Affected: yes. Observed: 1 variant allele, 1 homozygote.
Comment: The c.869G>T, p.(Arg290Leu) is a missense variant in the ARSA gene, which results in the amino acid substitution of leucine for arginine at codon 290. Allele frequency of this variant in gnomAD population database is 0.000062% (1/1613142 alleles, 0 homozygotes). GnomAD v.4.1.0. This variant lies in a mutational hot spot region and sulfatase domain of the ARSA protein (UniProt: P15289). Different missense variants affecting the same codon c.868C>T, p.(Arg290Cys), c.869G>A, p.(Arg290His), c.869G>C, p.(Arg290Pro) have been classified as pathogenic/ likely pathogenic and reported as compound heterozygous in individuals with metachromatic leukodystrophy (PMID: 37480112, 26462614, 33855715). Based on the available evidence, this variant has been classified as likely pathogenic.

Women's Health and Genetics/Laboratory Corporation of America, LabCorp
Classification: Uncertain significance. Last evaluated: 2023-07-24. Review status: criteria provided, single submitter. Criteria: LabCorp Variant Classification Summary - May 2015. Collection method: clinical testing. Allele origin: germline.
Comment: Variant summary: ARSA c.869G>T (p.Arg290Leu) results in a non-conservative amino acid change located in the sulfatase, N-terminal domain (IPR000917) of the encoded protein sequence. Three of four in-silico tools predict a damaging effect of the variant on protein function. The variant was absent in 248178 control chromosomes (gnomAD). The available data on variant occurrences in the general population are insufficient to allow any conclusion about variant significance. To our knowledge, no occurrence of c.869G>T in individuals affected with Metachromatic Leukodystrophy and no experimental evidence demonstrating its impact on protein function have been reported. However, other missense variants affecting the same amino acid (e.g. R290H, R290C) have been classified as pathogenic and are observed in association with metachromatic leukodystrophy in the HGMD database, suggesting Arg290 is important for protein function. No submitters have cited clinical-significance assessments for this variant to ClinVar after 2014. Based on the evidence outlined above, the variant was classified as VUS-possibly pathogenic.

Literature cited by the submitters: PubMed 37480112 (cited by Clinical Genomics, G42 Labs); PubMed 26462614 (cited by Clinical Genomics, G42 Labs); PubMed 33855715 (cited by Clinical Genomics, G42 Labs).

NM_000487.6(ARSA):c.869G>T (p.Arg290Leu)

Gene: ARSA (arylsulfatase A; minus strand). Cytogenetic location: 22q13.33.
Variant type: single nucleotide variant.
Coding change: c.869G>T on transcript NM_000487.6 (MANE Select); coding-DNA position 869, G replaced by T.
Protein change: p.Arg290Leu; replaces arginine 290 with leucine.
Molecular consequence: missense variant.
Genome position (GRCh38, 1-based): chr22:50,626,264, C>A on the plus strand (G>T on the coding strand, the complement: ARSA is on the minus strand). VCF-style: chr22-50626264-C-A. GRCh37 (hg19) VCF-style: chr22-51064692-C-A.
Other names: c.869G>T, p.Arg290Leu (NM_001085425.3, NM_001085426.3, NM_001085427.3); c.611G>T, p.Arg204Leu (NM_001085428.3, NM_001362782.2); short protein forms R204L, R290L.
Identifiers: ClinVar variation 2577296 (VCV002577296.1), dbSNP rs199476355, ClinGen allele CA412175036.